The following is an entry in ClinVar:

ClinVar aggregate classification (germline): Uncertain significance (1 of 4 stars; one submission).

Conditions:
Pitt-Hopkins-like syndrome 2 (PTHSL2). Identifiers: Orphanet 221150, Orphanet 600663, MedGen C3280479, MONDO:0013690, OMIM 614325.

Submission:

Labcorp Genetics (formerly Invitae), Labcorp
Classification: Uncertain significance for Pitt-Hopkins-like syndrome 2. Last evaluated: 2020-01-14. Review status: criteria provided, single submitter. Criteria: Invitae Variant Classification Sherloc (09022015). Collection method: clinical testing. Allele origin: germline.
Comment: In summary, the available evidence is currently insufficient to determine the role of this variant in disease. Therefore, it has been classified as a Variant of Uncertain Significance. Algorithms developed to predict the effect of missense changes on protein structure and function are either unavailable or do not agree on the potential impact of this missense change (SIFT: "Not Available"; PolyPhen-2: "Benign"; Align-GVGD: "Class C0"). This variant has not been reported in the literature in individuals with NRXN1-related conditions. This variant is not present in population databases (ExAC no frequency). This sequence change replaces cysteine with arginine at codon 281 of the NRXN1 protein (p.Cys281Arg). The cysteine residue is weakly conserved and there is a large physicochemical difference between cysteine and arginine.

NM_001330078.2(NRXN1):c.772+1101T>C

Gene: NRXN1 (neurexin 1; minus strand). Cytogenetic location: 2p16.3.
Variant type: single nucleotide variant.
Coding change: c.772+1101T>C on transcript NM_001330078.2 (MANE Select); 1101 bases into the intron after coding-DNA position 772, T replaced by C.
Molecular consequence: intron variant. On other transcripts: missense variant (1).
Genome position (GRCh38, 1-based): chr2:51,026,401, A>G on the plus strand (T>C on the coding strand, the complement: NRXN1 is on the minus strand). VCF-style: chr2-51026401-A-G. GRCh37 (hg19) VCF-style: chr2-51253539-A-G.
Other names: c.841T>C, p.Cys281Arg (NM_001135659.3); c.772+1101T>C (NM_001330096.2, NM_001330087.2, NM_001330083.2 and 14 more transcripts); short protein forms C281R.
Identifiers: ClinVar variation 1054849 (VCV001054849.9), dbSNP rs2105318253, ClinGen allele CA346823098.